The following is an entry in ClinVar:

NM_000222.3(KIT):c.2142-3C>G

Gene: KIT (KIT proto-oncogene, receptor tyrosine kinase; plus strand). Cytogenetic location: 4q12.
Variant type: single nucleotide variant.
Coding change: c.2142-3C>G on transcript NM_000222.3 (MANE Select); 3 bases into the intron before coding-DNA position 2142, C replaced by G.
Molecular consequence: intron variant.
Genome position (GRCh38, 1-based): chr4:54,731,325, C>G. VCF-style: chr4-54731325-C-G. GRCh37 (hg19) VCF-style: chr4-55597491-C-G.
Other names: c.2145-3C>G (NM_001385284.1); c.2145-6C>G (NM_001385290.1); c.2133-3C>G (NM_001385288.1); c.2133-6C>G (NM_001385292.1); c.2142-6C>G (NM_001385285.1); c.2130-3C>G (NM_001093772.2); c.2130-6C>G (NM_001385286.1).
Identifiers: ClinVar variation 853409 (VCV000853409.11), dbSNP rs1722581397, ClinGen allele CA916081455.

ClinVar aggregate classification (germline): Uncertain significance. Review status: criteria provided, multiple submitters, no conflicts (2 of 4 stars). 2 submissions from 2 submitters: Uncertain significance (2). Last evaluated 2025-03-07.

Conditions:
Gastrointestinal stromal tumor. Also called: Gastrointestinal stromal tumor, somatic; Gastrointestinal stroma tumor. Identifiers: Orphanet 44890, MedGen C0238198, MeSH D046152, MONDO:0011719, OMIM 606764, HP:0100723.
Hereditary cancer-predisposing syndrome. Also called: Neoplastic Syndromes, Hereditary; Tumor predisposition; Hereditary Cancer Syndrome; Hereditary neoplastic syndrome. Identifiers: Orphanet 140162, MedGen C0027672, MeSH D009386, MONDO:0015356.

Submissions (2):

Ambry Genetics
Classification: Uncertain significance for Hereditary cancer-predisposing syndrome. Last evaluated: 2025-03-07. Review status: criteria provided, single submitter. Criteria: Ambry Variant Classification Scheme 2023. Collection method: clinical testing. Allele origin: germline.
Comment: The c.2142-3C>G intronic variant results from a C to G substitution 3 nucleotides upstream from coding exon 15 in the KIT gene. This nucleotide position is not well conserved in available vertebrate species. In silico splice site analysis predicts that this alteration will weaken the native splice acceptor site. Based on the available evidence, the clinical significance of this variant remains unclear.

Labcorp Genetics (formerly Invitae), Labcorp
Classification: Uncertain significance for Gastrointestinal stromal tumor. Last evaluated: 2023-05-16. Review status: criteria provided, single submitter. Criteria: Invitae Variant Classification Sherloc (09022015). Collection method: clinical testing. Allele origin: germline.
Comment: In summary, the available evidence is currently insufficient to determine the role of this variant in disease. Therefore, it has been classified as a Variant of Uncertain Significance. Variants that disrupt the consensus splice site are a relatively common cause of aberrant splicing (PMID: 17576681, 9536098). Algorithms developed to predict the effect of sequence changes on RNA splicing suggest that this variant may disrupt the consensus splice site. ClinVar contains an entry for this variant (Variation ID: 853409). This variant has not been reported in the literature in individuals affected with KIT-related conditions. This variant is not present in population databases (gnomAD no frequency). This sequence change falls in intron 14 of the KIT gene. It does not directly change the encoded amino acid sequence of the KIT protein. It affects a nucleotide within the consensus splice site.

Literature cited by the submitters: PubMed 17576681 (cited by Labcorp Genetics (formerly Invitae), Labcorp); PubMed 9536098 (cited by Labcorp Genetics (formerly Invitae), Labcorp).